The following is an entry in ClinVar:

ClinVar aggregate classification (germline): Pathogenic (1 of 4 stars; one submission).

Conditions:
Primary ciliary dyskinesia. Also called: Ciliary dyskinesia. Identifiers: Orphanet 244, MedGen C0008780, MONDO:0016575, HP:0012265.

gnomAD v4.1: 1 of 1,498,578 alleles (0.000067%); highest among the groups gnomAD compares: Non-Finnish European, 0.000088%; no homozygotes.

Submission:

Labcorp Genetics (formerly Invitae), Labcorp
Classification: Pathogenic for Primary ciliary dyskinesia. Last evaluated: 2023-12-31. Review status: criteria provided, single submitter. Criteria: Invitae Variant Classification Sherloc (09022015). Collection method: clinical testing. Allele origin: germline.
Comment: This sequence change creates a premature translational stop signal (p.Tyr733*) in the DNAH11 gene. It is expected to result in an absent or disrupted protein product. Loss-of-function variants in DNAH11 are known to be pathogenic (PMID: 18022865, 20513915, 22184204). This variant is not present in population databases (gnomAD no frequency). This variant has not been reported in the literature in individuals affected with DNAH11-related conditions. For these reasons, this variant has been classified as Pathogenic.

Literature cited by the submitters: PubMed 18022865; PubMed 20513915; PubMed 22184204.

NM_001277115.2(DNAH11):c.2199T>A (p.Tyr733Ter)

Gene: DNAH11 (dynein axonemal heavy chain 11; plus strand). Cytogenetic location: 7p15.3.
Variant type: single nucleotide variant.
Coding change: c.2199T>A on transcript NM_001277115.2 (MANE Select); coding-DNA position 2199, T replaced by A.
Protein change: p.Tyr733Ter; replaces tyrosine 733 with a stop codon.
Molecular consequence: nonsense.
Genome position (GRCh38, 1-based): chr7:21,590,947, T>A. VCF-style: chr7-21590947-T-A. GRCh37 (hg19) VCF-style: chr7-21630565-T-A.
Other names: c.2199T>A, p.Tyr733Ter (NM_003777.3); short protein forms Y733*.
Identifiers: ClinVar variation 2740387 (VCV002740387.3), dbSNP rs2128443515, ClinGen allele CA366941936.